The following is an entry in ClinVar:

NM_000814.6(GABRB3):c.1005C>G (p.Gly335=)

Gene: GABRB3 (gamma-aminobutyric acid type A receptor subunit beta3; minus strand). Cytogenetic location: 15q12.
Variant type: single nucleotide variant.
Coding change: c.1005C>G on transcript NM_000814.6 (MANE Select); coding-DNA position 1005, C replaced by G.
Protein change: p.Gly335=; no amino-acid change (glycine 335 retained).
Molecular consequence: synonymous variant.
Genome position (GRCh38, 1-based): chr15:26,561,007, G>C on the plus strand (C>G on the coding strand, the complement: GABRB3 is on the minus strand). VCF-style: chr15-26561007-G-C. GRCh37 (hg19) VCF-style: chr15-26806154-G-C.
Other names: c.750C>G, p.Gly250= (NM_001191320.2, NM_001278631.2); c.792C>G, p.Gly264= (NM_001191321.3); c.1005C>G, p.Gly335= (NM_021912.5).
Identifiers: ClinVar variation 390235 (VCV000390235.9), dbSNP rs74907974, ClinGen allele CA7437330.
Genomic context (GRCh38, chr15:26,561,007, plus strand): 5'-CTTTGAACGGTCATTCTTTGCCTTGGCTGTCTTTTCTGCAAGCTTCTTCTGCCTTTGAGG[G>C]CCTCTTCCAAAGAAAATGTAGTTGACAAAGGCATACTCCAGAAGGGCCAGGAACACAAAG-3'
Protein context (NP_000805.1, residues 325-345): AFVNYIFFGR[Gly335=]PQRQKKLAEK

ClinVar aggregate classification (germline): Likely benign. Review status: criteria provided, multiple submitters, no conflicts (2 of 4 stars). 3 submissions from 3 submitters: Likely benign (3). Last evaluated 2025-03-25.

Conditions:
Epilepsy, childhood absence, susceptibility to, 1. Also called: Epilepsy, childhood absence 1. Identifiers: Orphanet 64280, MedGen C1838604, MONDO:0020759, OMIM 600131.
Epilepsy, childhood absence, susceptibility to, 5. Identifiers: Orphanet 64280, MedGen C2677087, MONDO:0012843, OMIM 612269.

Allele frequency attached by ClinVar (database versions not stated): TOPMed 0.00008.
gnomAD v4.1: 95 of 1,614,006 alleles (0.0059%); highest among the groups gnomAD compares: Non-Finnish European, 0.008%; no homozygotes.

Submissions (3):

Labcorp Genetics (formerly Invitae), Labcorp
Classification: Likely benign for Epilepsy, childhood absence, susceptibility to, 5; Epilepsy, childhood absence, susceptibility to, 1. Last evaluated: 2025-03-25. Review status: criteria provided, single submitter. Criteria: Invitae Variant Classification Sherloc (09022015). Collection method: clinical testing. Allele origin: germline.

Women's Health and Genetics/Laboratory Corporation of America, LabCorp
Classification: Likely benign. Last evaluated: 2024-10-01. Review status: criteria provided, single submitter. Criteria: LabCorp Variant Classification Summary - May 2015. Collection method: clinical testing. Allele origin: germline.

GeneDx
Classification: Likely benign. Last evaluated: 2016-10-21. Review status: criteria provided, single submitter. Criteria: GeneDx Variant Classification (06012015). Collection method: clinical testing. Allele origin: germline. Affected: yes.
Comment: This variant is considered likely benign or benign based on one or more of the following criteria: it is a conservative change, it occurs at a poorly conserved position in the protein, it is predicted to be benign by multiple in silico algorithms, and/or has population frequency not consistent with disease.